The following is an entry in ClinVar:

NM_001289808.2(CRYAB):c.277G>C (p.Val93Leu)

Gene: CRYAB (crystallin alpha B; minus strand). Cytogenetic location: 11q23.1.
Variant type: single nucleotide variant.
Coding change: c.277G>C on transcript NM_001289808.2 (MANE Select); coding-DNA position 277, G replaced by C.
Protein change: p.Val93Leu; replaces valine 93 with leucine.
Molecular consequence: missense variant.
Genome position (GRCh38, 1-based): chr11:111,910,374, C>G on the plus strand (G>C on the coding strand, the complement: CRYAB is on the minus strand). VCF-style: chr11-111910374-C-G. GRCh37 (hg19) VCF-style: chr11-111781098-C-G.
Other names: c.277G>C, p.Val93Leu (NM_001289807.1, NM_001368245.1, NM_001885.3); c.76G>C, p.Val26Leu (NM_001330379.1, NM_001368246.1); short protein forms V26L, V93L.
Identifiers: ClinVar variation 999315 (VCV000999315.8), dbSNP rs547282752, ClinGen allele CA382599218.

ClinVar aggregate classification (germline): Uncertain significance (1 of 4 stars; one submission).

Conditions:
Dilated cardiomyopathy 1II (CMD1II). Identifiers: Orphanet 154, MedGen C3554649, MONDO:0014073, OMIM 615184.

Submission:

Labcorp Genetics (formerly Invitae), Labcorp
Classification: Uncertain significance for Dilated cardiomyopathy 1II. Last evaluated: 2020-05-20. Review status: criteria provided, single submitter. Criteria: Invitae Variant Classification Sherloc (09022015). Collection method: clinical testing. Allele origin: germline.
Comment: This sequence change replaces valine with leucine at codon 93 of the CRYAB protein (p.Val93Leu). The valine residue is highly conserved and there is a small physicochemical difference between valine and leucine. This variant is not present in population databases (ExAC no frequency). This variant has not been reported in the literature in individuals with CRYAB-related conditions. Algorithms developed to predict the effect of missense changes on protein structure and function are either unavailable or do not agree on the potential impact of this missense change (SIFT: "Deleterious"; PolyPhen-2: "Benign"; Align-GVGD: "Class C0"). In summary, the available evidence is currently insufficient to determine the role of this variant in disease. Therefore, it has been classified as a Variant of Uncertain Significance.